The following is an entry in ClinVar:

NM_001184.4(ATR):c.7501A>C (p.Lys2501Gln)

Gene: ATR (ATR serine/threonine kinase; minus strand). Cytogenetic location: 3q23.
Variant type: single nucleotide variant.
Coding change: c.7501A>C on transcript NM_001184.4 (MANE Select); coding-DNA position 7501, A replaced by C.
Protein change: p.Lys2501Gln; replaces lysine 2501 with glutamine.
Molecular consequence: missense variant.
Genome position (GRCh38, 1-based): chr3:142,458,960, T>G on the plus strand (A>C on the coding strand, the complement: ATR is on the minus strand). VCF-style: chr3-142458960-T-G. GRCh37 (hg19) VCF-style: chr3-142177802-T-G.
Other names: c.7309A>C, p.Lys2437Gln (NM_001354579.2); short protein forms K2501Q, K2437Q.
Identifiers: ClinVar variation 3331694 (VCV003331694.1).

ClinVar aggregate classification (germline): Uncertain significance (1 of 4 stars; one submission).

Conditions:
Inborn genetic diseases. Identifiers: MedGen C0950123, MeSH D030342.

Submission:

Ambry Genetics
Classification: Uncertain significance for Inborn genetic diseases. Last evaluated: 2024-04-22. Review status: criteria provided, single submitter. Criteria: Ambry Variant Classification Scheme 2023. Collection method: clinical testing. Allele origin: germline.
Comment: The p.K2501Q variant (also known as c.7501A>C), located in coding exon 44 of the ATR gene, results from an A to C substitution at nucleotide position 7501. The lysine at codon 2501 is replaced by glutamine, an amino acid with similar properties. This amino acid position is conserved. In addition, the in silico prediction for this alteration is inconclusive. Based on the available evidence, the clinical significance of this variant remains unclear.